The following is an entry in ClinVar:

ClinVar aggregate classification (germline): Uncertain significance (1 of 4 stars; one submission).

Conditions:
Kleefstra syndrome 1 (KLEFS1). Identifiers: Orphanet 261494, MedGen C0795833, MONDO:0027407, OMIM 610253.

Allele frequency attached by ClinVar (database versions not stated): gnomAD exomes below 0.00001.
gnomAD v4.1: 1 of 1,612,570 alleles (0.000062%); highest among the groups gnomAD compares: Non-Finnish European, 0.000085%; no homozygotes.

Submission:

Labcorp Genetics (formerly Invitae), Labcorp
Classification: Uncertain significance for Kleefstra syndrome 1. Last evaluated: 2023-11-24. Review status: criteria provided, single submitter. Criteria: Invitae Variant Classification Sherloc (09022015). Collection method: clinical testing. Allele origin: germline.
Comment: This sequence change replaces arginine, which is basic and polar, with histidine, which is basic and polar, at codon 1118 of the EHMT1 protein (p.Arg1118His). This variant is not present in population databases (gnomAD no frequency). This variant has not been reported in the literature in individuals affected with EHMT1-related conditions. Advanced modeling of protein sequence and biophysical properties (such as structural, functional, and spatial information, amino acid conservation, physicochemical variation, residue mobility, and thermodynamic stability) performed at Invitae indicates that this missense variant is expected to disrupt EHMT1 protein function with a positive predictive value of 80%. In summary, the available evidence is currently insufficient to determine the role of this variant in disease. Therefore, it has been classified as a Variant of Uncertain Significance.

NM_024757.5(EHMT1):c.3353G>A (p.Arg1118His)

Gene: EHMT1 (euchromatic histone lysine methyltransferase 1; plus strand). Cytogenetic location: 9q34.3.
Variant type: single nucleotide variant.
Coding change: c.3353G>A on transcript NM_024757.5 (MANE Select); coding-DNA position 3353, G replaced by A.
Protein change: p.Arg1118His; replaces arginine 1118 with histidine.
Molecular consequence: missense variant.
Genome position (GRCh38, 1-based): chr9:137,816,041, G>A. VCF-style: chr9-137816041-G-A. GRCh37 (hg19) VCF-style: chr9-140710493-G-A.
Other names: c.3332G>A, p.Arg1111His (NM_001354263.2); short protein forms R1118H, R1111H.
Identifiers: ClinVar variation 2698254 (VCV002698254.3), dbSNP rs1255732158, ClinGen allele CA375796866.